The following is an entry in ClinVar:

ClinVar aggregate classification (germline): Likely pathogenic. Review status: reviewed by expert panel (3 of 4 stars). 2 submissions from 2 submitters: Likely pathogenic (1). 1 of the submissions does not count toward it. Last evaluated 2023-11-14.

Conditions:
Severe combined immunodeficiency due to DCLRE1C deficiency (RS-SCID). Also called: SCID, AUTOSOMAL RECESSIVE, T CELL-NEGATIVE, B CELL-NEGATIVE, NK CELL-POSITIVE, WITH SENSITIVITY TO IONIZING RADIATION. Identifiers: Orphanet 275, MedGen C1865371, MONDO:0011225, OMIM 602450.

Submissions (2):

ClinGen Severe Combined Immunodeficiency Variant Curation Expert Panel, ClinGen
Classification: Likely pathogenic for Severe combined immunodeficiency due to DCLRE1C deficiency. Last evaluated: 2023-11-14. Review status: reviewed by expert panel. Criteria: ClinGen SCID ACMG Specifications DCLRE1C V1.0.0. Collection method: curation. Allele origin: germline. Inheritance: Autosomal recessive inheritance.
Comment: The NM_001033855.3(DCLRE1C):c.1669dup (p.Thr557AsnfsTer21) variant in DCLRE1C is a frameshift variant that may cause loss of function of the protein; however, it is predicted that the transcript likely escapes nonsense-mediated decay (PMID: 26476407 supports this notion). Additionally, no downstream pathogenic variants have been curated to date (curated following SCID VCEP specifications). Thus, currently, this variant is limited to PVS1 at moderate strength. This variant is absent from gnomAD v2.1.1 (PM2_Supporting). There are 2 patients who are siblings (Family A, P4, and P5) (PMID: 26476407, PP1_supporting). At least one patient with this variant displayed Vector-based complementation corrected increased cellular radiosensitivity and/or decreased V(D)J recombination (P5, 2 pts, PMID:26476407, PP4_Moderate). In summary, this variant meets the criteria to be classified as Likely Pathogenic for autosomal recessive SCID based on the ACMG/AMP criteria applied: PVS1_Moderate, PM2_Supporting, PP1_Supporting, and PP4_Moderate, as specified by the ClinGen SCID VCEP (VCEP specifications version 1).

OMIM
Classification: Pathogenic for SEVERE COMBINED IMMUNODEFICIENCY WITH SENSITIVITY TO IONIZING RADIATION. Last evaluated: 2016-09-14. Review status: no assertion criteria provided. Collection method: literature only. Allele origin: germline. Not counted in ClinVar's aggregate classification.

Literature cited by the submitters: PubMed 26476407 (cited by OMIM).

NM_001033855.3(DCLRE1C):c.1669dup (p.Thr557fs)

Gene: DCLRE1C (DNA cross-link repair 1C; minus strand). Cytogenetic location: 10p13.
Variant type: Duplication.
Coding change: c.1669dup on transcript NM_001033855.3 (MANE Select); coding-DNA position 1669, one base duplicated (A; older notation c.1669dupA).
Protein change: p.Thr557fs; shifts the reading frame from threonine 557.
Molecular consequence: frameshift variant. On other transcripts: non-coding transcript variant (4).
Genome position (GRCh38, 1-based): chr10:14,908,818, T duplicated on the plus strand (A on the coding strand, the reverse complement: DCLRE1C is on the minus strand). VCF-style (leftmost placement, unchanged base first): chr10-14908817-G-GT. GRCh37 (hg19) VCF-style: chr10-14950816-G-GT.
Other names: NM_001033855.3(DCLRE1C):c.1669dup; p.Thr557fs; c.1309dup, p.Thr437fs (NM_001033857.3, NM_001033858.3, NM_001289077.2 and 2 more transcripts); c.1324dup, p.Thr442fs (NM_001289076.2, NM_001289078.2, NM_001350966.2 and 1 more transcripts); c.1669dup, p.Thr557fs (NM_001350965.2); short protein forms T557fs, T442fs, T437fs.
Identifiers: ClinVar variation 254216 (VCV000254216.2), dbSNP rs886037924, ClinGen allele CA10586372.
Genomic context (GRCh38, chr10:14,908,817, plus strand): 5'-TCAGCTTTGTCCAAGGAAGTAATATCCCCACTGTTTCTCTCTTGGGAAGATAACAAAACA[G>GT]TATCAGATTGGCTGTCCCAGCCTTGACTTCCTTGTTCTGTTATGTGTGTTGACTGGGAAG-3'